The following is an entry in ClinVar:

ClinVar aggregate classification (germline): Uncertain significance. Review status: criteria provided, multiple submitters, no conflicts (2 of 4 stars). 2 submissions from 2 submitters: Uncertain significance (2). Last evaluated 2024-06-21.

Conditions:
Cranioectodermal dysplasia 2 (CED2). Identifiers: Orphanet 1515, MedGen C3150874, MONDO:0013323, OMIM 613610.
Short-rib thoracic dysplasia 7 with or without polydactyly (SRTD7). Also called: Short rib polydactyly syndrome 5; SHORT-RIB THORACIC DYSPLASIA 7 WITH POLYDACTYLY. Identifiers: Orphanet 498497, Orphanet 93271, MedGen C3279792, MONDO:0013569, OMIM 614091.

Allele frequency attached by ClinVar (database versions not stated): gnomAD exomes 0.00001; TOPMed 0.00001; ExAC 0.00002.

Submissions (2):

Fulgent Genetics
Classification: Uncertain significance for Cranioectodermal dysplasia 2; Short-rib thoracic dysplasia 7 with or without polydactyly. Last evaluated: 2024-06-21. Review status: criteria provided, single submitter. Criteria: ACMG Guidelines, 2015. Collection method: clinical testing. Allele origin: germline.

Labcorp Genetics (formerly Invitae), Labcorp
Classification: Uncertain significance for Cranioectodermal dysplasia 2; Short-rib thoracic dysplasia 7 with or without polydactyly. Last evaluated: 2022-04-06. Review status: criteria provided, single submitter. Criteria: Invitae Variant Classification Sherloc (09022015). Collection method: clinical testing. Allele origin: germline.
Comment: This sequence change falls in intron 27 of the WDR35 gene. It does not directly change the encoded amino acid sequence of the WDR35 protein. It affects a nucleotide within the consensus splice site. This variant is present in population databases (rs781114693, gnomAD 0.02%). This variant has not been reported in the literature in individuals affected with WDR35-related conditions. Variants that disrupt the consensus splice site are a relatively common cause of aberrant splicing (PMID: 17576681, 9536098). Algorithms developed to predict the effect of sequence changes on RNA splicing suggest that this variant is not likely to affect RNA splicing. In summary, the available evidence is currently insufficient to determine the role of this variant in disease. Therefore, it has been classified as a Variant of Uncertain Significance.

Literature cited by the submitters: PubMed 17576681 (cited by Labcorp Genetics (formerly Invitae), Labcorp); PubMed 9536098 (cited by Labcorp Genetics (formerly Invitae), Labcorp).

NM_020779.4(WDR35):c.3362+6C>T

Gene: WDR35 (WD repeat domain 35; minus strand). Cytogenetic location: 2p24.1.
Variant type: single nucleotide variant.
Coding change: c.3362+6C>T on transcript NM_020779.4 (MANE Select); 6 bases into the intron after coding-DNA position 3362, C replaced by T.
Molecular consequence: intron variant.
Genome position (GRCh38, 1-based): chr2:19,914,031, G>A on the plus strand (C>T on the coding strand, the complement: WDR35 is on the minus strand). VCF-style: chr2-19914031-G-A. GRCh37 (hg19) VCF-style: chr2-20113792-G-A.
Other names: c.3395+6C>T (NM_001006657.2).
Identifiers: ClinVar variation 2108611 (VCV002108611.2), dbSNP rs781114693, ClinGen allele CA1542689.
Genomic context (GRCh38, chr2:19,914,031, plus strand): 5'-TTGTACATCTAGAAATCCAAGCTTCTAATAAGATAGAATGGCATCCACTAATTAAAATTA[G>A]CCTACCCTTCCATAAGGCTGTCCAATTCAGGTTTTCTGTTATCTTTTGAAGTATGTTTGG-3'